The following is an entry in ClinVar:

ClinVar aggregate classification (germline): Likely benign (1 of 4 stars; one submission).

Allele frequency attached by ClinVar (database versions not stated): gnomAD 0.01114; 1000 Genomes Project 0.01198; TOPMed 0.01232; 1000 Genomes Project 30x 0.01249.
gnomAD v4.1: 1,684 of 152,358 alleles (1.1%); highest among the groups gnomAD compares: African/African-American, 3.8%; 27 homozygotes.

Submission:

GeneDx
Classification: Likely benign. Last evaluated: 2020-07-20. Review status: criteria provided, single submitter. Criteria: GeneDx Variant Classification Process June 2021. Collection method: clinical testing. Allele origin: germline. Affected: yes.
Comment: See Variant Classification Assertion Criteria.

NM_000693.4(ALDH1A3):c.883+193A>C

Genes: ALDH1A3 (aldehyde dehydrogenase 1 family member A3; plus strand), ALDH1A3-AS1 (ALDH1A3 antisense RNA 1; minus strand). Cytogenetic location: 15q26.3.
Variant type: single nucleotide variant.
Coding change: c.883+193A>C on transcript NM_000693.4 (MANE Select); 193 bases into the intron after coding-DNA position 883, A replaced by C.
Molecular consequence: intron variant.
Genome position (GRCh38, 1-based): chr15:100,898,378, A>C. VCF-style: chr15-100898378-A-C. GRCh37 (hg19) VCF-style: chr15-101438583-A-C.
Other names: c.562+193A>C (NM_001293815.2).
Identifiers: ClinVar variation 1706690 (VCV001706690.2), dbSNP rs143277086, ClinGen allele CA275612182.